The following is an entry in ClinVar:

ClinVar aggregate classification (germline): Likely pathogenic (1 of 4 stars; one submission).

Conditions:
SIM1-related disorder. Also called: SIM1-related disorders; SIM1-related condition.

Submission:

PreventionGenetics, part of Exact Sciences
Classification: Likely pathogenic for SIM1-related condition. Last evaluated: 2026-02-06. Review status: criteria provided, single submitter. Criteria: ACMG Guidelines, 2015. Collection method: clinical testing. Allele origin: germline.
Comment: The SIM1 c.175+1G>A variant is predicted to disrupt the GT donor site and interfere with normal splicing. To our knowledge, this variant has not been reported in the literature or in a large population database (gnomAD), indicating this variant is rare. Variants that disrupt the consensus splice donor site in SIM1 are expected to be pathogenic. This variant is interpreted as likely pathogenic.

NM_005068.3(SIM1):c.175+1G>A

Gene: SIM1 (SIM bHLH transcription factor 1; minus strand). Cytogenetic location: 6q16.3.
Variant type: single nucleotide variant.
Coding change: c.175+1G>A on transcript NM_005068.3 (MANE Select); the canonical splice donor site of the intron after coding-DNA position 175, G replaced by A.
Molecular consequence: splice donor variant.
Genome position (GRCh38, 1-based): chr6:100,463,293, C>T on the plus strand (G>A on the coding strand, the complement: SIM1 is on the minus strand). VCF-style: chr6-100463293-C-T. GRCh37 (hg19) VCF-style: chr6-100911169-C-T.
Other names: c.175+1G>A (NM_001374769.1).
Identifiers: ClinVar variation 4992874 (VCV004992874.1).